The following is an entry in ClinVar:

ClinVar aggregate classification (germline): Uncertain significance (1 of 4 stars; one submission).

Conditions:
Primary ciliary dyskinesia. Also called: Ciliary dyskinesia. Identifiers: Orphanet 244, MedGen C0008780, MONDO:0016575, HP:0012265.

Submission:

Labcorp Genetics (formerly Invitae), Labcorp
Classification: Uncertain significance for Primary ciliary dyskinesia. Last evaluated: 2021-08-27. Review status: criteria provided, single submitter. Criteria: Invitae Variant Classification Sherloc (09022015). Collection method: clinical testing. Allele origin: germline.
Comment: This sequence change replaces lysine with asparagine at codon 260 of the DNAI1 protein (p.Lys260Asn). The lysine residue is moderately conserved and there is a moderate physicochemical difference between lysine and asparagine. This variant is not present in population databases (ExAC no frequency). This variant has not been reported in the literature in individuals affected with DNAI1-related conditions. Algorithms developed to predict the effect of missense changes on protein structure and function (SIFT, PolyPhen-2, Align-GVGD) all suggest that this variant is likely to be tolerated. In summary, the available evidence is currently insufficient to determine the role of this variant in disease. Therefore, it has been classified as a Variant of Uncertain Significance.

NM_012144.4(DNAI1):c.780G>T (p.Lys260Asn)

Gene: DNAI1 (dynein axonemal intermediate chain 1; plus strand). Cytogenetic location: 9p13.3.
Variant type: single nucleotide variant.
Coding change: c.780G>T on transcript NM_012144.4 (MANE Select); coding-DNA position 780, G replaced by T.
Protein change: p.Lys260Asn; replaces lysine 260 with asparagine.
Molecular consequence: missense variant.
Genome position (GRCh38, 1-based): chr9:34,493,292, G>T. VCF-style: chr9-34493292-G-T. GRCh37 (hg19) VCF-style: chr9-34493290-G-T.
Other names: c.792G>T, p.Lys264Asn (NM_001281428.2); short protein forms K260N, K264N.
Identifiers: ClinVar variation 1498608 (VCV001498608.5), dbSNP rs2132065479, ClinGen allele CA373249353.